The following is an entry in ClinVar:

ClinVar aggregate classification (germline): Uncertain significance. Review status: criteria provided, multiple submitters, no conflicts (2 of 4 stars). 2 submissions from 2 submitters: Uncertain significance (2). Last evaluated 2020-10-05.

Allele frequency attached by ClinVar (database versions not stated): TOPMed 0.00001.
gnomAD v4.1: 5 of 1,589,816 alleles (0.00031%); highest among the groups gnomAD compares: Non-Finnish European, 0.00043%; no homozygotes.

Submissions (2):

Labcorp Genetics (formerly Invitae), Labcorp
Classification: Uncertain significance. Last evaluated: 2020-10-05. Review status: criteria provided, single submitter. Criteria: Invitae Variant Classification Sherloc (09022015). Collection method: clinical testing. Allele origin: germline.
Comment: In summary, the available evidence is currently insufficient to determine the role of this variant in disease. Therefore, it has been classified as a Variant of Uncertain Significance. Algorithms developed to predict the effect of missense changes on protein structure and function are either unavailable or do not agree on the potential impact of this missense change (SIFT: "Deleterious"; PolyPhen-2: "Possibly Damaging"; Align-GVGD: "Class C0"). This variant has not been reported in the literature in individuals with ADGRV1-related conditions. ClinVar contains an entry for this variant (Variation ID: 667190). This variant is not present in population databases (ExAC no frequency). This sequence change replaces leucine with proline at codon 5644 of the ADGRV1 protein (p.Leu5644Pro). The leucine residue is moderately conserved and there is a moderate physicochemical difference between leucine and proline.

Laboratory for Molecular Medicine, Mass General Brigham Personalized Medicine
Classification: Uncertain significance. Last evaluated: 2019-01-02. Review status: criteria provided, single submitter. Criteria: LMM Criteria. Collection method: clinical testing. Allele origin: germline. Observed: 2 variant alleles.
Comment: This variant was absent from large population studies . Computational prediction tools and conservation analysis suggest that this var iant may impact the protein, though this information is not predictive enough to determine pathogenicity. In summary, the clinical significance of this variant is uncertain. ACMG/AMP Criteria applied: PM2, PP3, PM3_Supporting.

NM_032119.4(ADGRV1):c.16931T>C (p.Leu5644Pro)

Gene: ADGRV1 (adhesion G protein-coupled receptor V1; plus strand). Cytogenetic location: 5q14.3.
Variant type: single nucleotide variant.
Coding change: c.16931T>C on transcript NM_032119.4 (MANE Select); coding-DNA position 16931, T replaced by C.
Protein change: p.Leu5644Pro; replaces leucine 5644 with proline.
Molecular consequence: missense variant. On other transcripts: non-coding transcript variant (1).
Genome position (GRCh38, 1-based): chr5:90,840,897, T>C. VCF-style: chr5-90840897-T-C. GRCh37 (hg19) VCF-style: chr5-90136714-T-C.
Other names: short protein forms L5644P.
Identifiers: ClinVar variation 667190 (VCV000667190.12), dbSNP rs879250689, ClinGen allele CA360428822.